The following is an entry in ClinVar:

NM_144773.4(PROKR2):c.472G>A (p.Val158Ile)

Gene: PROKR2 (prokineticin receptor 2; minus strand). Cytogenetic location: 20p12.3.
Variant type: single nucleotide variant.
Coding change: c.472G>A on transcript NM_144773.4 (MANE Select); coding-DNA position 472, G replaced by A.
Protein change: p.Val158Ile; replaces valine 158 with isoleucine.
Molecular consequence: missense variant.
Genome position (GRCh38, 1-based): chr20:5,302,723, C>T on the plus strand (G>A on the coding strand, the complement: PROKR2 is on the minus strand). VCF-style: chr20-5302723-C-T. GRCh37 (hg19) VCF-style: chr20-5283369-C-T.
Other names: short protein forms V158I.
Identifiers: ClinVar variation 2741590 (VCV002741590.26), dbSNP rs368732206, ClinGen allele CA9754334.

ClinVar aggregate classification (germline): Conflicting classifications of pathogenicity. Review status: criteria provided, conflicting classifications (1 of 4 stars). 4 submissions from 4 submitters: Likely pathogenic (1); Uncertain significance (2); Likely benign (1). Last evaluated 2025-12-31.

Conditions:
Hypogonadotropic hypogonadism 3 with or without anosmia (HH3). Also called: HYPOGONADOTROPIC HYPOGONADISM 3 WITH ANOSMIA; PROKR2-Related GnRH Deficiency (Kallmann Syndrome 3). Identifiers: Orphanet 478, MedGen C3550478, MONDO:0009482, OMIM 244200.

Allele frequency attached by ClinVar (database versions not stated): ESP Exome Variant Server 0.00008; gnomAD 0.00008; gnomAD exomes 0.00011; ExAC 0.00017.
gnomAD v4.1: 187 of 1,613,492 alleles (0.012%); highest among the groups gnomAD compares: Middle Eastern, 0.066%; 1 homozygote.

Submissions (4):

Labcorp Genetics (formerly Invitae), Labcorp
Classification: Uncertain significance. Last evaluated: 2025-12-31. Review status: criteria provided, single submitter. Criteria: Invitae Variant Classification Sherloc (09022015). Collection method: clinical testing. Allele origin: germline.
Comment: This sequence change replaces valine, which is neutral and non-polar, with isoleucine, which is neutral and non-polar, at codon 158 of the PROKR2 protein (p.Val158Ile). This variant is present in population databases (rs368732206, gnomAD 0.05%). This missense change has been observed in individuals with Kallmann syndrome (PMID: 24031091, 24276467). ClinVar contains an entry for this variant (Variation ID: 2741590). Invitae Evidence Modeling of protein sequence and biophysical properties (such as structural, functional, and spatial information, amino acid conservation, physicochemical variation, residue mobility, and thermodynamic stability) indicates that this missense variant is not expected to disrupt PROKR2 protein function with a negative predictive value of 80%. Experimental studies are conflicting or provide insufficient evidence to determine the effect of this variant on PROKR2 function (PMID: 24276467, 29161432, 36694982). In summary, the available evidence is currently insufficient to determine the role of this variant in disease. Therefore, it has been classified as a Variant of Uncertain Significance.

Genomic Medicine Center of Excellence, King Faisal Specialist Hospital and Research Centre
Classification: Uncertain significance for Hypogonadotropic hypogonadism 3 with or without anosmia. Last evaluated: 2024-12-18. Review status: criteria provided, single submitter. Criteria: ACMG Guidelines, 2015. Collection method: clinical testing. Allele origin: germline.

Fulgent Genetics
Classification: Likely pathogenic for Hypogonadotropic hypogonadism 3 with or without anosmia. Last evaluated: 2024-03-26. Review status: criteria provided, single submitter. Criteria: ACMG Guidelines, 2015. Collection method: clinical testing. Allele origin: germline.

CeGaT Center for Human Genetics Tuebingen
Classification: Likely benign. Last evaluated: 2023-12-01. Review status: criteria provided, single submitter. Criteria: CeGaT Center For Human Genetics Tuebingen Variant Classification Criteria Version 2. Collection method: clinical testing. Allele origin: germline. Affected: yes. Observed: 1 variant allele.
Comment: PROKR2: BS3:Supporting

Literature cited by the submitters: PubMed 24031091 (cited by Labcorp Genetics (formerly Invitae), Labcorp); PubMed 24276467 (cited by Labcorp Genetics (formerly Invitae), Labcorp); PubMed 29161432 (cited by Labcorp Genetics (formerly Invitae), Labcorp); PubMed 36694982 (cited by Labcorp Genetics (formerly Invitae), Labcorp).